The following is an entry in ClinVar:

NM_001261826.3(AP3D1):c.1873G>T (p.Ala625Ser)

Gene: AP3D1 (adaptor related protein complex 3 subunit delta 1; minus strand). Cytogenetic location: 19p13.3.
Variant type: single nucleotide variant.
Coding change: c.1873G>T on transcript NM_001261826.3 (MANE Select); coding-DNA position 1873, G replaced by T.
Protein change: p.Ala625Ser; replaces alanine 625 with serine.
Molecular consequence: missense variant.
Genome position (GRCh38, 1-based): chr19:2,116,733, C>A on the plus strand (G>T on the coding strand, the complement: AP3D1 is on the minus strand). VCF-style: chr19-2116733-C-A. GRCh37 (hg19) VCF-style: chr19-2116732-C-A.
Other names: c.1873G>T, p.Ala625Ser (NM_001374799.1, NM_003938.8); short protein forms A625S.
Identifiers: ClinVar variation 4701974 (VCV004701974.1).
Genomic context (GRCh38, chr19:2,116,733, plus strand): 5'-AGACGGCCCTGGGCCTCTCGTCCTCTGACTCGCTGTCCGAGAGTGGCTCATTGATCCAGG[C>A]GTCCAGGTCCAGGCTGCACCGGACAGGAGGGCCACACAAGGCAGTGTGTGACCGAGCACG-3'
Protein context (NP_001248755.1, residues 615-635): VPVPEGLDLD[Ala625Ser]WINEPLSDSE

ClinVar aggregate classification (germline): Uncertain significance (1 of 4 stars; one submission).

gnomAD v4.1: 15 of 1,610,272 alleles (0.00093%); highest among the groups gnomAD compares: South Asian, 0.0088%; no homozygotes.

Submission:

Labcorp Genetics (formerly Invitae), Labcorp
Classification: Uncertain significance. Last evaluated: 2025-09-28. Review status: criteria provided, single submitter. Criteria: Invitae Variant Classification Sherloc (09022015). Collection method: clinical testing. Allele origin: germline.
Comment: This sequence change replaces alanine, which is neutral and non-polar, with serine, which is neutral and polar, at codon 625 of the AP3D1 protein (p.Ala625Ser). The frequency data for this variant in the population databases is considered unreliable, as metrics indicate poor data quality at this position in the gnomAD database. This variant has not been reported in the literature in individuals affected with AP3D1-related conditions. An algorithm developed to predict the effect of missense changes on protein structure and function (PolyPhen-2) suggests that this variant is likely to be tolerated. In summary, the available evidence is currently insufficient to determine the role of this variant in disease. Therefore, it has been classified as a Variant of Uncertain Significance.